The following is an entry in ClinVar:

NM_007294.4(BRCA1):c.5356C>T (p.Leu1786=)

Gene: BRCA1 (BRCA1 DNA repair associated; minus strand). Cytogenetic location: 17q21.31.
Variant type: single nucleotide variant.
Coding change: c.5356C>T on transcript NM_007294.4 (MANE Select); coding-DNA position 5356, C replaced by T.
Protein change: p.Leu1786=; no amino-acid change (leucine 1786 retained).
Molecular consequence: synonymous variant. On other transcripts: intron variant (19).
Genome position (GRCh38, 1-based): chr17:43,049,171, G>A on the plus strand (C>T on the coding strand, the complement: BRCA1 is on the minus strand). VCF-style: chr17-43049171-G-A. GRCh37 (hg19) VCF-style: chr17-41201188-G-A.
Other names: c.5143C>T, p.Leu1715= (NM_001407571.1, NM_001407894.1, NM_001407895.1 and 12 more transcripts); c.5422C>T, p.Leu1808= (NM_001407581.1, NM_001407582.1); c.5419C>T, p.Leu1807= (NM_001407583.1, NM_001407585.1, NM_001407587.1 and 1 more transcripts); c.5416C>T, p.Leu1806= (NM_001407590.1, NM_001407591.1); c.5356C>T, p.Leu1786= (NM_001407593.1, NM_001407594.1, NM_001407596.1 and 5 more transcripts); c.5353C>T, p.Leu1785= (NM_001407610.1, NM_001407611.1, NM_001407612.1 and 14 more transcripts); c.5350C>T, p.Leu1784= (NM_001407627.1, NM_001407628.1, NM_001407629.1 and 13 more transcripts); c.5347C>T, p.Leu1783= (NM_001407644.1, NM_001407645.1); and 84 more.
Identifiers: ClinVar variation 462671 (VCV000462671.14), dbSNP rs1555575167, ClinGen allele CA500143311.

ClinVar aggregate classification (germline): Likely benign. Review status: criteria provided, multiple submitters, no conflicts (2 of 4 stars). 3 submissions from 3 submitters: Likely benign (2). 1 of the submissions does not count toward it. Last evaluated 2026-05-28.

Conditions:
Hereditary breast ovarian cancer syndrome. Also called: Hereditary breast and ovarian cancer syndrome (HBOC); BRCA1- and BRCA2-Associated Hereditary Breast and Ovarian Cancer; Hereditary breast and/or ovarian cancer syndrome; Hereditary breast and ovarian cancer syndrome; Hereditary breast and ovarian cancer; Breast and ovarian cancer. Identifiers: Orphanet 145, MedGen C0677776, MeSH D061325, MONDO:0003582. Disease mechanism: loss of function.
Breast-ovarian cancer, familial, susceptibility to, 1 (BROVCA1). Also called: BRCA1 Hereditary Breast and Ovarian Cancer; OVARIAN CANCER, SUSCEPTIBILITY TO. Identifiers: Orphanet 145, MedGen C2676676, MONDO:0011450, OMIM 604370. Disease mechanism: loss of function.

Submissions (4):

Women's Health and Genetics/Laboratory Corporation of America, LabCorp
Classification: Likely benign. Last evaluated: 2026-05-28. Review status: criteria provided, single submitter. Criteria: LabCorp Variant Classification Summary - May 2015. Collection method: clinical testing. Allele origin: germline.

Labcorp Genetics (formerly Invitae), Labcorp
Classification: Likely benign for Hereditary breast ovarian cancer syndrome. Last evaluated: 2023-10-15. Review status: criteria provided, single submitter. Criteria: Invitae Variant Classification Sherloc (09022015). Collection method: clinical testing. Allele origin: germline.

Brotman Baty Institute, University of Washington
No classification provided (evidence only). Condition: Breast-ovarian cancer, familial 1. Review status: no classification provided. Collection method: in vitro. Allele origin: not applicable. Functional consequence: functionally_normal. Not counted in ClinVar's aggregate classification.
ClinVar note: "not provided" was previously submitted as the classification for the variant. However, the classification appeared to be based only on an observation of functional data so it was converted to no classification on 2025-07-30.

Department of Pathology and Laboratory Medicine, Sinai Health System
Classification: Uncertain significance for Breast-ovarian cancer, familial, susceptibility to, 1. Review status: no assertion criteria provided. Collection method: clinical testing. Allele origin: unknown. Affected: yes. Study: The Canadian Open Genetics Repository (COGR). Not counted in ClinVar's aggregate classification.
Comment: The BRCA1 p.Leu1786= variant was not identified in the literature nor was it identified in the dbSNP, LOVD 3.0 or in the UMD-LSDB databases. The variant was identified in ClinVar (classified as likely benign by Invitae). It was not identified in the following control databases: the Exome Aggregation Consortium (August 8th 2016), or the Genome Aggregation Database (Feb 27, 2017). The p.Leu1786= variant is not expected to have clinical significance because it does not result in a change of amino acid and is not located in a known consensus splice site. In addition, in silico or computational prediction software programs (SpliceSiteFinder, MaxEntScan, NNSPLICE, GeneSplicer) do not predict a difference in splicing. In summary, based on the above information the clinical significance of this variant cannot be determined with certainty at this time. This variant is classified as a variant of uncertain significance.